The following is an entry in ClinVar:

NM_006329.4(FBLN5):c.295C>T (p.Leu99Phe)

Gene: FBLN5 (fibulin 5; minus strand). Cytogenetic location: 14q32.12.
Variant type: single nucleotide variant.
Coding change: c.295C>T on transcript NM_006329.4 (MANE Select); coding-DNA position 295, C replaced by T.
Protein change: p.Leu99Phe; replaces leucine 99 with phenylalanine.
Molecular consequence: missense variant.
Genome position (GRCh38, 1-based): chr14:91,937,031, G>A on the plus strand (C>T on the coding strand, the complement: FBLN5 is on the minus strand). VCF-style: chr14-91937031-G-A. GRCh37 (hg19) VCF-style: chr14-92403375-G-A.
Other names: c.418C>T, p.Leu140Phe (NM_001384158.1); c.346C>T, p.Leu116Phe (NM_001384159.1); c.295C>T, p.Leu99Phe (NM_001384160.1); c.127C>T, p.Leu43Phe (NM_001384161.1, NM_001384162.1); short protein forms L99F, L116F, L140F, L43F.
Identifiers: ClinVar variation 1943509 (VCV001943509.6), dbSNP rs148521275, ClinGen allele CA7312881.
Genomic context (GRCh38, chr14:91,937,031, plus strand): 5'-TCTGGTATCCAAAGCGGCATATAAGAGGCCTGGAGATCGTGGGATAGTTTGGAGCTGAGA[G>A]TGGTGGGGCAGCTGCTGGGTACGGACCTGAGTAGGGGGTCGAGTAGGGGTTCGAGTAGGG-3'
Protein context (NP_006320.2, residues 89-109): SGPYPAAAPP[Leu99Phe]SAPNYPTISR

ClinVar aggregate classification (germline): Uncertain significance. Review status: criteria provided, multiple submitters, no conflicts (2 of 4 stars). 2 submissions from 2 submitters: Uncertain significance (2). Last evaluated 2025-08-12.

Conditions:
Inborn genetic diseases. Identifiers: MedGen C0950123, MeSH D030342.

Allele frequency attached by ClinVar (database versions not stated): gnomAD 0.00001; gnomAD exomes 0.00001; ESP Exome Variant Server 0.00008; TOPMed below 0.00001; ExAC 0.00001.
gnomAD v4.1: 4 of 1,614,074 alleles (0.00025%); highest among the groups gnomAD compares: Admixed American, 0.0033%; no homozygotes.

Submissions (2):

Ambry Genetics
Classification: Uncertain significance for Inborn genetic diseases. Last evaluated: 2025-08-12. Review status: criteria provided, single submitter. Criteria: Ambry Variant Classification Scheme 2023. Collection method: clinical testing. Allele origin: germline.

Labcorp Genetics (formerly Invitae), Labcorp
Classification: Uncertain significance. Last evaluated: 2022-08-25. Review status: criteria provided, single submitter. Criteria: Invitae Variant Classification Sherloc (09022015). Collection method: clinical testing. Allele origin: germline.
Comment: This sequence change replaces leucine, which is neutral and non-polar, with phenylalanine, which is neutral and non-polar, at codon 99 of the FBLN5 protein (p.Leu99Phe). This variant is present in population databases (rs148521275, gnomAD 0.0009%). This variant has not been reported in the literature in individuals affected with FBLN5-related conditions. Algorithms developed to predict the effect of missense changes on protein structure and function (SIFT, PolyPhen-2, Align-GVGD) all suggest that this variant is likely to be tolerated. In summary, the available evidence is currently insufficient to determine the role of this variant in disease. Therefore, it has been classified as a Variant of Uncertain Significance.